The following is an entry in ClinVar:

ClinVar aggregate classification (germline): Uncertain significance. Review status: criteria provided, multiple submitters, no conflicts (2 of 4 stars). 5 submissions from 5 submitters: Uncertain significance (5). Last evaluated 2025-04-24.

Conditions:
Complement component 3 deficiency. Identifiers: Orphanet 280133, MedGen C3151071, MONDO:0013417, OMIM 613779.
Age related macular degeneration 9. Identifiers: MedGen C1969651, MONDO:0012659, OMIM 611378.
Atypical hemolytic-uremic syndrome with C3 anomaly. Also called: AHUS, SUSCEPTIBILITY TO, 5. Identifiers: Orphanet 2134, MedGen C2752037, MONDO:0013043, OMIM 612925.

Allele frequency attached by ClinVar (database versions not stated): ExAC 0.00003; gnomAD 0.00003 and 0.00004; gnomAD exomes 0.00004.
gnomAD v4.1: 64 of 1,613,538 alleles (0.004%); highest among the groups gnomAD compares: East Asian, 0.011%; no homozygotes.

Submissions (5):

Labcorp Genetics (formerly Invitae), Labcorp
Classification: Uncertain significance. Last evaluated: 2025-04-24. Review status: criteria provided, single submitter. Criteria: Invitae Variant Classification Sherloc (09022015). Collection method: clinical testing. Allele origin: germline.
Comment: This sequence change replaces arginine, which is basic and polar, with glutamine, which is neutral and polar, at codon 315 of the C3 protein (p.Arg315Gln). This variant is present in population databases (rs761503659, gnomAD 0.007%). This variant has not been reported in the literature in individuals affected with C3-related conditions. ClinVar contains an entry for this variant (Variation ID: 1396226). Invitae Evidence Modeling of protein sequence and biophysical properties (such as structural, functional, and spatial information, amino acid conservation, physicochemical variation, residue mobility, and thermodynamic stability) indicates that this missense variant is not expected to disrupt C3 protein function with a negative predictive value of 80%. In summary, the available evidence is currently insufficient to determine the role of this variant in disease. Therefore, it has been classified as a Variant of Uncertain Significance.

Blueprint Genetics
Classification: Uncertain significance. Last evaluated: 2024-08-26. Review status: criteria provided, single submitter. Criteria: ACMG Guidelines, 2015. Collection method: clinical testing. Allele origin: germline.

Fulgent Genetics
Classification: Uncertain significance for Age related macular degeneration 9; Atypical hemolytic-uremic syndrome with C3 anomaly; Complement component 3 deficiency. Last evaluated: 2024-05-22. Review status: criteria provided, single submitter. Criteria: ACMG Guidelines, 2015. Collection method: clinical testing. Allele origin: germline.

CeGaT Center for Human Genetics Tuebingen
Classification: Uncertain significance. Last evaluated: 2024-02-01. Review status: criteria provided, single submitter. Criteria: CeGaT Center For Human Genetics Tuebingen Variant Classification Criteria Version 2. Collection method: clinical testing. Allele origin: germline. Affected: yes. Observed: 1 variant allele.
Comment: C3: PM2, BP4

Mayo Clinic Laboratories, Mayo Clinic
Classification: Uncertain significance. Last evaluated: 2023-10-13. Review status: criteria provided, single submitter. Criteria: ACMG Guidelines, 2015. Collection method: clinical testing. Allele origin: germline. Observed: 1 variant allele.
Comment: BP4_strong

NM_000064.4(C3):c.944G>A (p.Arg315Gln)

Gene: C3 (complement C3; minus strand). Cytogenetic location: 19p13.3.
Variant type: single nucleotide variant.
Coding change: c.944G>A on transcript NM_000064.4 (MANE Select); coding-DNA position 944, G replaced by A.
Protein change: p.Arg315Gln; replaces arginine 315 with glutamine.
Molecular consequence: missense variant.
Genome position (GRCh38, 1-based): chr19:6,713,248, C>T on the plus strand (G>A on the coding strand, the complement: C3 is on the minus strand). VCF-style: chr19-6713248-C-T. GRCh37 (hg19) VCF-style: chr19-6713259-C-T.
Other names: p.Arg315Gln; short protein forms R315Q.
Identifiers: ClinVar variation 1396226 (VCV001396226.34), dbSNP rs761503659, ClinGen allele CA9129616.